The following is an entry in ClinVar:

ClinVar aggregate classification (germline): Uncertain significance (1 of 4 stars; one submission).

Allele frequency attached by ClinVar (database versions not stated): TOPMed below 0.00001; ExAC 0.00002; gnomAD 0.00005; gnomAD exomes 0.00006.
gnomAD v4.1: 48 of 1,614,048 alleles (0.003%); highest among the groups gnomAD compares: African/African-American, 0.0027%; no homozygotes.

Submission:

Labcorp Genetics (formerly Invitae), Labcorp
Classification: Uncertain significance. Last evaluated: 2025-05-19. Review status: criteria provided, single submitter. Criteria: Invitae Variant Classification Sherloc (09022015). Collection method: clinical testing. Allele origin: germline.
Comment: This sequence change replaces proline, which is neutral and non-polar, with leucine, which is neutral and non-polar, at codon 799 of the DSCAML1 protein (p.Pro799Leu). This variant is present in population databases (rs763992966, gnomAD 0.05%). This variant has not been reported in the literature in individuals affected with DSCAML1-related conditions. ClinVar contains an entry for this variant (Variation ID: 1931699). An algorithm developed to predict the effect of missense changes on protein structure and function (PolyPhen-2) suggests that this variant is likely to be tolerated. In summary, the available evidence is currently insufficient to determine the role of this variant in disease. Therefore, it has been classified as a Variant of Uncertain Significance.

NM_020693.4(DSCAML1):c.2216C>T (p.Pro739Leu)

Gene: DSCAML1 (DS cell adhesion molecule like 1; minus strand). Cytogenetic location: 11q23.3.
Variant type: single nucleotide variant.
Coding change: c.2216C>T on transcript NM_020693.4 (MANE Select); coding-DNA position 2216, C replaced by T.
Protein change: p.Pro739Leu; replaces proline 739 with leucine.
Molecular consequence: missense variant.
Genome position (GRCh38, 1-based): chr11:117,503,988, G>A on the plus strand (C>T on the coding strand, the complement: DSCAML1 is on the minus strand). VCF-style: chr11-117503988-G-A. GRCh37 (hg19) VCF-style: chr11-117374703-G-A.
Other names: c.2216C>T, p.Pro739Leu (NM_001367904.1); short protein forms P739L.
Identifiers: ClinVar variation 1931699 (VCV001931699.5), dbSNP rs763992966, ClinGen allele CA6297069.
Genomic context (GRCh38, chr11:117,503,988, plus strand): 5'-TCTAGGACGTGGCGGATCAGCAGCGAGCTGTTGGGCAGGATCTGGATGCGGCCAGTGAGG[G>A]GCACAGGGTGGTACTGCTGGGGGTTCCCGCTCCCTGGAAGGAGGCAGCTGTTAGGAGGGC-3'
Protein context (NP_065744.3, residues 729-749): SGNPQQYHPV[Pro739Leu]LTGRIQILPN